The following is an entry in ClinVar:

NM_000093.5(COL5A1):c.3433C>G (p.Pro1145Ala)

Gene: COL5A1 (collagen type V alpha 1 chain; plus strand). Cytogenetic location: 9q34.3.
Variant type: single nucleotide variant.
Coding change: c.3433C>G on transcript NM_000093.5 (MANE Select); coding-DNA position 3433, C replaced by G.
Protein change: p.Pro1145Ala; replaces proline 1145 with alanine.
Molecular consequence: missense variant.
Genome position (GRCh38, 1-based): chr9:134,809,249, C>G. VCF-style: chr9-134809249-C-G. GRCh37 (hg19) VCF-style: chr9-137701095-C-G.
Other names: c.3433C>G, p.Pro1145Ala (NM_001278074.1); short protein forms P1145A.
Identifiers: ClinVar variation 1731399 (VCV001731399.3), dbSNP rs1217555635, ClinGen allele CA375453019.

ClinVar aggregate classification (germline): Uncertain significance. Review status: criteria provided, multiple submitters, no conflicts (2 of 4 stars). 2 submissions from 2 submitters: Uncertain significance (2). Last evaluated 2026-03-25.

Conditions:
Familial thoracic aortic aneurysm and aortic dissection (TAAD). Also called: Thoracic aortic aneurysms and dissections. Identifiers: Orphanet 91387, MedGen C4707243, MONDO:0019625.

Allele frequency attached by ClinVar (database versions not stated): gnomAD exomes below 0.00001; gnomAD 0.00001; TOPMed 0.00001.
gnomAD v4.1: 3 of 1,608,620 alleles (0.00019%); highest among the groups gnomAD compares: Non-Finnish European, 0.00025%; no homozygotes.

Submissions (2):

GeneDx
Classification: Uncertain significance. Last evaluated: 2026-03-25. Review status: criteria provided, single submitter. Criteria: GeneDx Variant Classification Process June 2021. Collection method: clinical testing. Allele origin: germline.
Comment: Not observed at significant frequency in large population cohorts (gnomAD); In silico analysis supports that this missense variant has a deleterious effect on protein structure/function; Has not been previously published as pathogenic or benign to our knowledge; Occurs in the triple helical domain at the X position in the canonical Gly-X-Y repeat; although this variant may have an effect on normal protein folding and function, missense substitution at the X position is not a common mechanism of disease (PMID: 22696272; HGMD); This variant is associated with the following publications: (PMID: 22696272)

Ambry Genetics
Classification: Uncertain significance for Familial thoracic aortic aneurysm and aortic dissection. Last evaluated: 2022-09-08. Review status: criteria provided, single submitter. Criteria: Ambry Variant Classification Scheme 2023. Collection method: clinical testing. Allele origin: germline.
Comment: The p.P1145A variant (also known as c.3433C>G), located in coding exon 43 of the COL5A1 gene, results from a C to G substitution at nucleotide position 3433. The proline at codon 1145 is replaced by alanine, an amino acid with highly similar properties. This amino acid position is highly conserved in available vertebrate species. In addition, the in silico prediction for this alteration is inconclusive. Since supporting evidence is limited at this time, the clinical significance of this alteration remains unclear.